The following is an entry in ClinVar:

NM_005120.3(MED12):c.5476C>T (p.Pro1826Ser)

Gene: MED12 (mediator complex subunit 12; plus strand). Cytogenetic location: Xq13.1.
Variant type: single nucleotide variant.
Coding change: c.5476C>T on transcript NM_005120.3 (MANE Select); coding-DNA position 5476, C replaced by T.
Protein change: p.Pro1826Ser; replaces proline 1826 with serine.
Molecular consequence: missense variant.
Genome position (GRCh38, 1-based): chrX:71,136,954, C>T. VCF-style: chrX-71136954-C-T. GRCh37 (hg19) VCF-style: chrX-70356804-C-T.
Other names: short protein forms P1826S.
Identifiers: ClinVar variation 492843 (VCV000492843.16), dbSNP rs867576281, ClinGen allele CA330983534.

ClinVar aggregate classification (germline): Conflicting classifications of pathogenicity. Review status: criteria provided, conflicting classifications (1 of 4 stars). 4 submissions from 4 submitters: Uncertain significance (1); Likely benign (2). 1 of the submissions does not count toward it. Last evaluated 2025-11-12.

Conditions:
FG syndrome (FGS). Identifiers: MedGen C0220769, MONDO:0002010.
Ehlers-Danlos syndrome, classic type (cEDS). Identifiers: Orphanet 287, MedGen C4225429, MONDO:0007522.
Familial thoracic aortic aneurysm and aortic dissection (TAAD). Also called: Thoracic aortic aneurysms and dissections. Identifiers: Orphanet 91387, MedGen C4707243, MONDO:0019625.

Allele frequency attached by ClinVar (database versions not stated): gnomAD 0.00002; TOPMed 0.00002.

Submissions (4):

Labcorp Genetics (formerly Invitae), Labcorp
Classification: Likely benign for FG syndrome. Last evaluated: 2025-11-12. Review status: criteria provided, single submitter. Criteria: Invitae Variant Classification Sherloc (09022015). Collection method: clinical testing. Allele origin: germline.

Ambry Genetics
Classification: Likely benign for Familial thoracic aortic aneurysm and aortic dissection. Last evaluated: 2024-08-15. Review status: criteria provided, single submitter. Criteria: Ambry Variant Classification Scheme 2023. Collection method: clinical testing. Allele origin: germline.

Women's Health and Genetics/Laboratory Corporation of America, LabCorp
Classification: Uncertain significance. Last evaluated: 2023-03-20. Review status: criteria provided, single submitter. Criteria: LabCorp Variant Classification Summary - May 2015. Collection method: clinical testing. Allele origin: germline.
Comment: Variant summary: MED12 c.5476C>T (p.Pro1826Ser) results in a non-conservative amino acid change located in the Mediator complex, subunit Med12, catenin-binding domain (IPR021989) of the encoded protein sequence. Four of five in-silico tools predict a benign effect of the variant on protein function. The variant was absent in 179109 control chromosomes. The available data on variant occurrences in the general population are insufficient to allow any conclusion about variant significance. To our knowledge, no occurrence of c.5476C>T in individuals affected with MED12-Related Disorders and no experimental evidence demonstrating its impact on protein function have been reported. Three clinical diagnostic laboratories have submitted clinical-significance assessments for this variant to ClinVar after 2014, classifying the variant as uncertain significance (n=2) or likely benign (n=1). Based on the evidence outlined above, the variant was classified as uncertain significance.

Clinical Molecular Genetics Laboratory, Johns Hopkins All Children's Hospital
Classification: Uncertain significance for Ehlers-Danlos syndrome, classic type, 1. Last evaluated: 2015-10-14. Review status: no assertion criteria provided. Collection method: clinical testing. Allele origin: germline. Affected: yes. Not counted in ClinVar's aggregate classification.